The following is an entry in ClinVar:

ClinVar aggregate classification (germline): Pathogenic (1 of 4 stars; one submission).

Conditions:
DICER1-related tumor predisposition. Also called: DICER1-related pleuropulmonary blastoma cancer predisposition syndrome; DICER1 syndrome. Identifiers: Orphanet 284343, MedGen C3839822, MONDO:0100216.

Submission:

Labcorp Genetics (formerly Invitae), Labcorp
Classification: Pathogenic for DICER1-related tumor predisposition. Last evaluated: 2019-11-06. Review status: criteria provided, single submitter. Criteria: Invitae Variant Classification Sherloc (09022015). Collection method: clinical testing. Allele origin: germline.
Comment: This sequence change creates a premature translational stop signal (p.Phe939Leufs*9) in the DICER1 gene. It is expected to result in an absent or disrupted protein product. This variant is not present in population databases (ExAC no frequency). This variant has not been reported in the literature in individuals with DICER1-related conditions. Loss-of-function variants in DICER1 are known to be pathogenic (PMID: 19556464, 21266384). For these reasons, this variant has been classified as Pathogenic.

Literature cited by the submitters: PubMed 19556464; PubMed 21266384.

NM_177438.3(DICER1):c.2817_2819delinsGG (p.Phe939fs)

Gene: DICER1 (dicer 1, ribonuclease III; minus strand). Cytogenetic location: 14q32.13.
Variant type: Indel.
Coding change: c.2817_2819delinsGG on transcript NM_177438.3 (MANE Select); coding-DNA positions 2817 to 2819, TGA replaced by GG.
Protein change: p.Phe939fs; shifts the reading frame from phenylalanine 939.
Molecular consequence: frameshift variant.
Genome position (GRCh38, 1-based): chr14:95,106,209-95,106,211, TCA replaced by CC on the plus strand (TGA replaced by GG on the coding strand, the reverse complement: DICER1 is on the minus strand). VCF-style: chr14-95106209-TCA-CC. GRCh37 (hg19) VCF-style: chr14-95572546-TCA-CC.
Other names: c.2817_2819delinsGG, p.Phe939fs (NM_001195573.1, NM_001271282.3, NM_001291628.2 and 1 more transcripts); short protein forms F939fs.
Identifiers: ClinVar variation 968709 (VCV000968709.7), dbSNP rs1891411889, ClinGen allele CA1139663651.